The following is an entry in ClinVar:

NM_001003841.3(SLC6A19):c.1639C>T (p.Leu547Phe)

Gene: SLC6A19 (solute carrier family 6 member 19; plus strand). Cytogenetic location: 5p15.33.
Variant type: single nucleotide variant.
Coding change: c.1639C>T on transcript NM_001003841.3 (MANE Select); coding-DNA position 1639, C replaced by T.
Protein change: p.Leu547Phe; replaces leucine 547 with phenylalanine.
Molecular consequence: missense variant.
Genome position (GRCh38, 1-based): chr5:1,221,251, C>T. VCF-style: chr5-1221251-C-T. GRCh37 (hg19) VCF-style: chr5-1221366-C-T.
Other names: short protein forms L547F.
Identifiers: ClinVar variation 716858 (VCV000716858.11), dbSNP rs149124864, ClinGen allele CA3183246.

ClinVar aggregate classification (germline): Conflicting classifications of pathogenicity. Review status: criteria provided, conflicting classifications (1 of 4 stars). 3 submissions from 3 submitters: Uncertain significance (1); Likely benign (2). Last evaluated 2026-01-26.

Conditions:
Inborn genetic diseases. Identifiers: MedGen C0950123, MeSH D030342.

Allele frequency attached by ClinVar (database versions not stated): gnomAD exomes 0.00007 and 0.00023; ExAC 0.00025; 1000 Genomes Project 0.00060; ESP Exome Variant Server 0.00069; gnomAD 0.00069 and 0.00074; TOPMed 0.00081.
gnomAD v4.1: 207 of 1,614,156 alleles (0.013%); highest among the groups gnomAD compares: African/African-American, 0.25%; no homozygotes.

Submissions (3):

Labcorp Genetics (formerly Invitae), Labcorp
Classification: Likely benign. Last evaluated: 2026-01-26. Review status: criteria provided, single submitter. Criteria: Invitae Variant Classification Sherloc (09022015). Collection method: clinical testing. Allele origin: germline.

Women's Health and Genetics/Laboratory Corporation of America, LabCorp
Classification: Likely benign. Last evaluated: 2025-10-15. Review status: criteria provided, single submitter. Criteria: LabCorp Variant Classification Summary - May 2015. Collection method: clinical testing. Allele origin: germline.
Comment: Variant summary: SLC6A19 c.1639C>T (p.Leu547Phe) results in a non-conservative amino acid change in the encoded protein sequence. Algorithms developed to predict the effect of missense changes on protein structure and function are either unavailable or do not agree on the potential impact of this missense change. The variant allele was found at a frequency of 0.00023 in 251140 control chromosomes, predominantly at a frequency of 0.0034 within the African or African-American subpopulation in the gnomAD database. The observed variant frequency within African or African-American control individuals in the gnomAD database exceeds the estimated maximal expected allele frequency for disease-causing variants in SLC6A19. To our knowledge, no occurrence of c.1639C>T in individuals affected with SLC6A19-related conditions and no experimental evidence demonstrating its impact on protein function have been reported. ClinVar contains an entry for this variant (Variation ID: 716858). Based on the evidence outlined above, the variant was classified as likely benign.

Ambry Genetics
Classification: Uncertain significance for Inborn genetic diseases. Last evaluated: 2025-04-11. Review status: criteria provided, single submitter. Criteria: Ambry Variant Classification Scheme 2023. Collection method: clinical testing. Allele origin: germline.